The following is an entry in ClinVar:

ClinVar aggregate classification (germline): Likely benign (1 of 4 stars; one submission).

Submission:

CeGaT Center for Human Genetics Tuebingen
Classification: Likely benign. Last evaluated: 2026-09-01. Review status: criteria provided, single submitter. Criteria: CeGaT Center For Human Genetics Tuebingen Variant Classification Criteria Version 2. Collection method: clinical testing. Allele origin: germline. Affected: yes. Observed: 1 variant allele.
Comment: SMARCA5: PM2:Supporting, BP4, BP7

NM_003601.4(SMARCA5):c.2421T>C (p.Pro807=)

Gene: SMARCA5 (SNF2 related chromatin remodeling ATPase 5; plus strand). Cytogenetic location: 4q31.21.
Variant type: single nucleotide variant.
Coding change: c.2421T>C on transcript NM_003601.4 (MANE Select); coding-DNA position 2421, T replaced by C.
Protein change: p.Pro807=; no amino-acid change (proline 807 retained).
Molecular consequence: synonymous variant.
Genome position (GRCh38, 1-based): chr4:143,545,948, T>C. VCF-style: chr4-143545948-T-C. GRCh37 (hg19) VCF-style: chr4-144467101-T-C.
Identifiers: ClinVar variation 5041179 (VCV005041179.1).